The following is an entry in ClinVar:

NM_004820.5(CYP7B1):c.1190C>T (p.Pro397Leu)

Gene: CYP7B1 (cytochrome P450 family 7 subfamily B member 1; minus strand). Cytogenetic location: 8q12.3.
Variant type: single nucleotide variant.
Coding change: c.1190C>T on transcript NM_004820.5 (MANE Select); coding-DNA position 1190, C replaced by T.
Protein change: p.Pro397Leu; replaces proline 397 with leucine.
Molecular consequence: missense variant.
Genome position (GRCh38, 1-based): chr8:64,604,725, G>A on the plus strand (C>T on the coding strand, the complement: CYP7B1 is on the minus strand). VCF-style: chr8-64604725-G-A. GRCh37 (hg19) VCF-style: chr8-65517282-G-A.
Other names: c.1190C>T, p.Pro397Leu (NM_001324112.2); short protein forms P397L.
Identifiers: ClinVar variation 1987112 (VCV001987112.5), dbSNP rs1412737307, ClinGen allele CA371334075.

ClinVar aggregate classification (germline): Conflicting classifications of pathogenicity. Review status: criteria provided, conflicting classifications (1 of 4 stars). 2 submissions from 2 submitters: Likely pathogenic (1); Uncertain significance (1). Last evaluated 2025-08-18.

Conditions:
Spastic paraplegia. Identifiers: MedGen C0037772, HP:0001258.

Allele frequency attached by ClinVar (database versions not stated): gnomAD exomes below 0.00001.
gnomAD v4.1: 3 of 1,614,090 alleles (0.00019%); highest among the groups gnomAD compares: East Asian, 0.0045%; no homozygotes.

Submissions (2):

Labcorp Genetics (formerly Invitae), Labcorp
Classification: Likely pathogenic for Spastic paraplegia. Last evaluated: 2025-08-18. Review status: criteria provided, single submitter. Criteria: Invitae Variant Classification Sherloc (09022015). Collection method: clinical testing. Allele origin: germline.
Comment: This sequence change replaces proline, which is neutral and non-polar, with leucine, which is neutral and non-polar, at codon 397 of the CYP7B1 protein (p.Pro397Leu). This variant is present in population databases (no rsID available, gnomAD 0.006%). This missense change has been observed in individual(s) with hereditary spastic paraplegia (PMID: 29980238). In at least one individual the data is consistent with being in trans (on the opposite chromosome) from a pathogenic variant. ClinVar contains an entry for this variant (Variation ID: 1987112). Invitae Evidence Modeling of protein sequence and biophysical properties (such as structural, functional, and spatial information, amino acid conservation, physicochemical variation, residue mobility, and thermodynamic stability) indicates that this missense variant is expected to disrupt CYP7B1 protein function with a positive predictive value of 95%. In summary, the currently available evidence indicates that the variant is pathogenic, but additional data are needed to prove that conclusively. Therefore, this variant has been classified as Likely Pathogenic.

Women's Health and Genetics/Laboratory Corporation of America, LabCorp
Classification: Uncertain significance. Last evaluated: 2025-03-25. Review status: criteria provided, single submitter. Criteria: LabCorp Variant Classification Summary - May 2015. Collection method: clinical testing. Allele origin: germline.
Comment: Variant summary: CYP7B1 c.1190C>T (p.Pro397Leu) results in a non-conservative amino acid change in the encoded protein sequence. Four of five in-silico tools predict a damaging effect of the variant on protein function. The variant allele was found at a frequency of 4e-06 in 251470 control chromosomes (gnomAD). c.1190C>T has been reported in the literature in individuals affected with Hereditary Spastic Paraplegia, Type 5a (e.g. Dong_2018, Tu_2024). These data indicate that the variant may be associated with disease. To our knowledge, no experimental evidence demonstrating an impact on protein function has been reported. The following publications have been ascertained in the context of this evaluation (PMID: 29980238, 38651515). ClinVar contains an entry for this variant (Variation ID: 1987112). Based on the evidence outlined above, the variant was classified as VUS-possibly pathogenic.

Literature cited by the submitters: PubMed 29980238 (cited by Labcorp Genetics (formerly Invitae), Labcorp and Women's Health and Genetics/Laboratory Corporation of America, LabCorp); PubMed 38651515 (cited by Women's Health and Genetics/Laboratory Corporation of America, LabCorp).